The following is an entry in ClinVar:

ClinVar aggregate classification (germline): Benign. Review status: criteria provided, multiple submitters, no conflicts (2 of 4 stars). 13 submissions from 12 submitters: Benign (10). 3 of the submissions do not count toward it. Last evaluated 2026-05-09.

Conditions:
Type 2 collagenopathy. Identifiers: Orphanet 93421, MedGen C2931073, MONDO:0022800.
Stickler syndrome type 1 (STL1). Also called: STICKLER SYNDROME, MEMBRANOUS VITREOUS TYPE; STICKLER SYNDROME, VITREOUS TYPE 1; ARTHROOPHTHALMOPATHY, HEREDITARY PROGRESSIVE; COL2A1-Related Stickler Syndrome. Identifiers: Orphanet 828, Orphanet 90653, MedGen C2020284, MONDO:0007160, OMIM 108300.

Allele frequency attached by ClinVar (database versions not stated): 1000 Genomes Project 0.02077; 1000 Genomes Project 30x 0.02124; TOPMed 0.04218; gnomAD exomes 0.04773; ExAC 0.04859; ESP Exome Variant Server 0.04898; gnomAD 0.04953 and 0.05124.
gnomAD v4.1: 101,917 of 1,613,810 alleles (6.3%); highest among the groups gnomAD compares: Non-Finnish European, 7.5%; 3,806 homozygotes.

Submissions (13):

Women's Health and Genetics/Laboratory Corporation of America, LabCorp
Classification: Benign. Last evaluated: 2026-05-09. Review status: criteria provided, single submitter. Criteria: LabCorp Variant Classification Summary - May 2015. Collection method: clinical testing. Allele origin: germline.

Labcorp Genetics (formerly Invitae), Labcorp
Classification: Benign. Last evaluated: 2026-02-04. Review status: criteria provided, single submitter. Criteria: Invitae Variant Classification Sherloc (09022015). Collection method: clinical testing. Allele origin: germline.

ARUP Laboratories, Molecular Genetics and Genomics, ARUP Laboratories
Classification: Benign. Last evaluated: 2025-06-02. Review status: criteria provided, single submitter. Criteria: ARUP Molecular Germline Variant Investigation Process 2024. Collection method: clinical testing. Allele origin: germline.

Blueprint Genetics
Classification: Benign. Last evaluated: 2024-11-27. Review status: criteria provided, single submitter. Criteria: ACMG Guidelines, 2015. Collection method: clinical testing. Allele origin: germline.

Mayo Clinic Laboratories, Mayo Clinic
Classification: Benign. Last evaluated: 2021-02-22. Review status: criteria provided, single submitter. Criteria: ACMG Guidelines, 2015. Collection method: clinical testing. Allele origin: germline. Observed: 25 variant alleles.

Illumina Laboratory Services, Illumina
Classification: Benign for Type II Collagenopathies. Last evaluated: 2018-01-13. Review status: criteria provided, single submitter. Criteria: ICSL Variant Classification Criteria 13 December 2019. Collection method: clinical testing. Allele origin: germline.
Comment: This variant was observed in the ICSL laboratory as part of a predisposition screen in an ostensibly healthy population. It had not been previously curated by ICSL or reported in the Human Gene Mutation Database (HGMD: prior to June 1st, 2018), and was therefore a candidate for classification through an automated scoring system. Utilizing variant allele frequency, disease prevalence and penetrance estimates, and inheritance mode, an automated score was calculated to assess if this variant is too frequent to cause the disease. Based on the score and internal cut-off values, a variant classified as benign is not then subjected to further curation. The score for this variant resulted in a classification of benign for this disease.

Illumina Laboratory Services, Illumina
Classification: Benign for Stickler syndrome type 1. Last evaluated: 2018-01-13. Review status: criteria provided, single submitter. Criteria: ICSL Variant Classification Criteria 13 December 2019. Collection method: clinical testing. Allele origin: germline.
Comment: the same text as in the submission from Illumina Laboratory Services, Illumina above.

GeneDx
Classification: Benign. Last evaluated: 2016-04-08. Review status: criteria provided, single submitter. Criteria: GeneDx Variant Classification (06012015). Collection method: clinical testing. Allele origin: germline. Affected: yes.
Comment: This variant is considered likely benign or benign based on one or more of the following criteria: it is a conservative change, it occurs at a poorly conserved position in the protein, it is predicted to be benign by multiple in silico algorithms, and/or has population frequency not consistent with disease.

Breakthrough Genomics
Classification: Benign. Review status: criteria provided, single submitter. Criteria: ACMG Guidelines, 2015. Collection method: not provided. Allele origin: germline. Inheritance: Autosomal dominant inheritance. Affected: yes.

PreventionGenetics, part of Exact Sciences
Classification: Benign. Review status: criteria provided, single submitter. Criteria: ACMG Guidelines, 2015. Collection method: clinical testing. Allele origin: germline.

Genome Diagnostics Laboratory, Amsterdam University Medical Center
Classification: Benign. Review status: no assertion criteria provided. Collection method: clinical testing. Allele origin: germline. Affected: yes. Study: VKGL Data-share Consensus. Not counted in ClinVar's aggregate classification.

Joint Genome Diagnostic Labs from Nijmegen and Maastricht, Radboudumc and MUMC+
Classification: Benign. Review status: no assertion criteria provided. Collection method: clinical testing. Allele origin: germline. Affected: yes. Study: VKGL Data-share Consensus. Not counted in ClinVar's aggregate classification.

Laboratory of Diagnostic Genome Analysis, Leiden University Medical Center (LUMC)
Classification: Likely benign. Review status: no assertion criteria provided. Collection method: clinical testing. Allele origin: germline. Affected: yes. Study: VKGL Data-share Consensus. Not counted in ClinVar's aggregate classification.

NM_001844.5(COL2A1):c.1836T>C (p.Gly612=)

Gene: COL2A1 (collagen type II alpha 1 chain; minus strand). Cytogenetic location: 12q13.11.
Variant type: single nucleotide variant.
Coding change: c.1836T>C on transcript NM_001844.5 (MANE Select); coding-DNA position 1836, T replaced by C.
Protein change: p.Gly612=; no amino-acid change (glycine 612 retained).
Molecular consequence: synonymous variant.
Genome position (GRCh38, 1-based): chr12:47,984,597, A>G on the plus strand (T>C on the coding strand, the complement: COL2A1 is on the minus strand). VCF-style: chr12-47984597-A-G. GRCh37 (hg19) VCF-style: chr12-48378380-A-G.
Other names: p.Gly612=; c.1629T>C, p.Gly543= (NM_033150.3).
Identifiers: ClinVar variation 258217 (VCV000258217.34), dbSNP rs41317939, ClinGen allele CA6535356.